The following is an entry in ClinVar:

NM_015102.5(NPHP4):c.60_61del (p.Arg20fs)

Gene: NPHP4 (nephrocystin 4; minus strand). Cytogenetic location: 1p36.31.
Variant type: Microsatellite.
Coding change: c.60_61del on transcript NM_015102.5 (MANE Select); coding-DNA positions 60 to 61, 2 bases deleted (AG; older notation c.60_61delAG).
Protein change: p.Arg20fs; shifts the reading frame from arginine 20.
Molecular consequence: frameshift variant. On other transcripts: 5 prime UTR variant (1), non-coding transcript variant (1), intron variant (1).
Genome position (GRCh38, 1-based): chr1:5,986,229-5,986,230, CT deleted on the plus strand (AG on the coding strand, the reverse complement: NPHP4 is on the minus strand); deleting any 2 consecutive bases within chr1:5,986,229-5,986,234 gives the same sequence; the c. name uses the placement nearest the transcript's 3' end. VCF-style (leftmost placement, unchanged base first): chr1-5986228-GCT-G. GRCh37 (hg19) VCF-style: chr1-6046288-GCT-G.
Other names: c.-1174AG[2] (NM_001291593.2); c.-1088+6010AG[2] (NM_001291594.2); short protein forms R20fs.
Identifiers: ClinVar variation 1068961 (VCV001068961.7), dbSNP rs770357627, ClinGen allele CA520736966.

ClinVar aggregate classification (germline): Pathogenic (1 of 4 stars; one submission).

Conditions:
Nephronophthisis. Also called: Juvenile Nephronophthisis. Identifiers: Orphanet 655, MedGen C0687120, MONDO:0019005, HP:0000090.

Submission:

Labcorp Genetics (formerly Invitae), Labcorp
Classification: Pathogenic for Nephronophthisis. Last evaluated: 2024-03-07. Review status: criteria provided, single submitter. Criteria: Invitae Variant Classification Sherloc (09022015). Collection method: clinical testing. Allele origin: germline.
Comment: This sequence change creates a premature translational stop signal (p.Arg20Serfs*24) in the NPHP4 gene. It is expected to result in an absent or disrupted protein product. Loss-of-function variants in NPHP4 are known to be pathogenic (PMID: 12205563, 23559409). The frequency data for this variant in the population databases is considered unreliable, as metrics indicate poor data quality at this position in the gnomAD database. This variant has not been reported in the literature in individuals affected with NPHP4-related conditions. For these reasons, this variant has been classified as Pathogenic.

Literature cited by the submitters: PubMed 12205563; PubMed 23559409.